The following is an entry in ClinVar:

ClinVar aggregate classification (germline): Pathogenic (0 of 4 stars; one submission).

Submission:

GenMed Metabolism Lab
Classification: Pathogenic. Review status: no assertion criteria provided. Collection method: not provided. Allele origin: unknown.
ClinVar note: Converted during submission from pathogenic to Pathogenic.

NM_000531.6(OTC):c.386G>C (p.Arg129Pro)

Gene: OTC (ornithine transcarbamylase; plus strand). Cytogenetic location: Xp11.4.
Variant type: single nucleotide variant.
Coding change: c.386G>C on transcript NM_000531.6 (MANE Select); coding-DNA position 386, G replaced by C.
Protein change: p.Arg129Pro; replaces arginine 129 with proline.
Molecular consequence: missense variant.
Genome position (GRCh38, 1-based): chrX:38,381,429, G>C. VCF-style: chrX-38381429-G-C. GRCh37 (hg19) VCF-style: chrX-38240682-G-C.
Other names: short protein forms R129P.
Identifiers: ClinVar variation 97181 (VCV000097181.2), dbSNP rs66656800, ClinGen allele CA224569.
Genomic context (GRCh38, chrX:38,381,429, plus strand): 5'-GTTTTCTTACCACACAAGATATTCATTTGGGTGTGAATGAAAGTCTCACGGACACGGCCC[G>C]GTTTGTAAATATTTTCTTCTCTCCAAAGCTGATTTCAGAATCTGATGGATAAATTTCAAA-3'
Protein context (NP_000522.3, residues 119-139): GVNESLTDTA[Arg129Pro]VLSSMADAVL